The following is an entry in ClinVar:

ClinVar aggregate classification (germline): Benign. Review status: criteria provided, multiple submitters, no conflicts (2 of 4 stars). 2 submissions from 2 submitters: Benign (2). Last evaluated 2018-01-13.

Conditions:
Hypothyroidism, congenital, nongoitrous, 2 (CHNG2). Also called: Hypothyroidism, congenital, due to thyroid dysgenesis or hypoplasia. Identifiers: Orphanet 95712, MedGen C1869118, MONDO:0024264, OMIM 218700.

Allele frequency attached by ClinVar (database versions not stated): 1000 Genomes Project 30x 0.14397; 1000 Genomes Project 0.14597; TOPMed 0.18467; gnomAD 0.18892 and 0.18997; gnomAD exomes 0.21741.
gnomAD v4.1: 45,868 of 230,108 alleles (20%); highest among the groups gnomAD compares: Non-Finnish European, 26%; 5,303 homozygotes.

Submissions (2):

Illumina Laboratory Services, Illumina
Classification: Benign for Hypothyroidism, congenital, nongoitrous, 2. Last evaluated: 2018-01-13. Review status: criteria provided, single submitter. Criteria: ICSL Variant Classification Criteria 13 December 2019. Collection method: clinical testing. Allele origin: germline.
Comment: This variant was observed in the ICSL laboratory as part of a predisposition screen in an ostensibly healthy population. It had not been previously curated by ICSL or reported in the Human Gene Mutation Database (HGMD: prior to June 1st, 2018), and was therefore a candidate for classification through an automated scoring system. Utilizing variant allele frequency, disease prevalence and penetrance estimates, and inheritance mode, an automated score was calculated to assess if this variant is too frequent to cause the disease. Based on the score and internal cut-off values, a variant classified as benign is not then subjected to further curation. The score for this variant resulted in a classification of benign for this disease.

Breakthrough Genomics
Classification: Benign. Review status: criteria provided, single submitter. Criteria: ACMG Guidelines, 2015. Collection method: not provided. Allele origin: germline. Inheritance: Autosomal dominant inheritance. Affected: yes.

NM_003466.4(PAX8):c.*1000T>C

Gene: PAX8 (paired box 8; minus strand). Cytogenetic location: 2q14.1.
Variant type: single nucleotide variant.
Coding change: c.*1000T>C on transcript NM_003466.4 (MANE Select); 1000 bases downstream of the stop codon, T replaced by C.
Molecular consequence: 3 prime UTR variant.
Genome position (GRCh38, 1-based): chr2:113,217,533, A>G on the plus strand (T>C on the coding strand, the complement: PAX8 is on the minus strand). VCF-style: chr2-113217533-A-G. GRCh37 (hg19) VCF-style: chr2-113975110-A-G.
Other names: c.*1077T>C (NM_013952.4, NM_013953.4, NM_013992.4).
Identifiers: ClinVar variation 330871 (VCV000330871.6), dbSNP rs1049137, ClinGen allele CA10610653.